The following is an entry in ClinVar:

ClinVar aggregate classification (germline): Uncertain significance. Review status: criteria provided, multiple submitters, no conflicts (2 of 4 stars). 4 submissions from 4 submitters: Uncertain significance (4). Last evaluated 2022-10-20.

Conditions:
5-Oxoprolinase deficiency (OPLAHD). Also called: 5-OXOPROLINURIA DUE TO 5-OXOPROLINASE DEFICIENCY. Identifiers: Orphanet 33572, MedGen C0268525, MONDO:0009825, OMIM 260005, HP:0040142.

Allele frequency attached by ClinVar (database versions not stated): 1000 Genomes Project 30x 0.00016; ESP Exome Variant Server 0.00016; 1000 Genomes Project 0.00020; ExAC 0.00034.
gnomAD v4.1: 404 of 1,612,748 alleles (0.025%); highest among the groups gnomAD compares: Middle Eastern, 0.45%; 2 homozygotes.

Submissions (4):

Labcorp Genetics (formerly Invitae), Labcorp
Classification: Uncertain significance for 5-Oxoprolinase deficiency. Last evaluated: 2022-10-20. Review status: criteria provided, single submitter. Criteria: Invitae Variant Classification Sherloc (09022015). Collection method: clinical testing. Allele origin: germline.
Comment: This sequence change replaces arginine, which is basic and polar, with cysteine, which is neutral and slightly polar, at codon 53 of the OPLAH protein (p.Arg53Cys). This variant is present in population databases (rs200381383, gnomAD 0.03%). This variant has not been reported in the literature in individuals affected with OPLAH-related conditions. ClinVar contains an entry for this variant (Variation ID: 1515678). Algorithms developed to predict the effect of missense changes on protein structure and function are either unavailable or do not agree on the potential impact of this missense change (SIFT: "Not Available"; PolyPhen-2: "Probably Damaging"; Align-GVGD: "Not Available"). In summary, the available evidence is currently insufficient to determine the role of this variant in disease. Therefore, it has been classified as a Variant of Uncertain Significance.

Fulgent Genetics
Classification: Uncertain significance for 5-Oxoprolinase deficiency. Last evaluated: 2022-02-16. Review status: criteria provided, single submitter. Criteria: ACMG Guidelines, 2015. Collection method: clinical testing. Allele origin: unknown.

Ambry Genetics
Classification: Uncertain significance. Last evaluated: 2021-07-21. Review status: criteria provided, single submitter. Criteria: Ambry Variant Classification Scheme 2023. Collection method: clinical testing. Allele origin: germline.

Breakthrough Genomics
Classification: Uncertain significance. Review status: criteria provided, single submitter. Criteria: ACMG Guidelines, 2015. Collection method: not provided. Allele origin: germline. Inheritance: Autosomal recessive inheritance. Affected: yes.

NM_017570.5(OPLAH):c.157C>T (p.Arg53Cys)

Gene: OPLAH (5-oxoprolinase, ATP-hydrolysing; minus strand). Cytogenetic location: 8q24.3.
Variant type: single nucleotide variant.
Coding change: c.157C>T on transcript NM_017570.5 (MANE Select); coding-DNA position 157, C replaced by T.
Protein change: p.Arg53Cys; replaces arginine 53 with cysteine.
Molecular consequence: missense variant.
Genome position (GRCh38, 1-based): chr8:144,059,876, G>A on the plus strand (C>T on the coding strand, the complement: OPLAH is on the minus strand). VCF-style: chr8-144059876-G-A. GRCh37 (hg19) VCF-style: chr8-145114779-G-A.
Other names: c.157C>T (NM_017570.3); short protein forms R53C.
Identifiers: ClinVar variation 1515678 (VCV001515678.6), dbSNP rs200381383, ClinGen allele CA4932393.